The following is an entry in ClinVar:

NM_017882.3(CLN6):c.546del (p.Trp181_Tyr182insTer)

Gene: CLN6 (CLN6 transmembrane ER protein; minus strand). Cytogenetic location: 15q23.
Variant type: Deletion.
Coding change: c.546del on transcript NM_017882.3 (MANE Select); coding-DNA position 546, one base deleted (C; older notation c.546delC).
Protein change: p.Trp181_Tyr182insTer.
Molecular consequence: nonsense. On other transcripts: frameshift variant (1).
Genome position (GRCh38, 1-based): chr15:68,209,756, G deleted on the plus strand (C on the coding strand, the reverse complement: CLN6 is on the minus strand). VCF-style (leftmost placement, unchanged base first): chr15-68209755-TG-T. GRCh37 (hg19) VCF-style: chr15-68502093-TG-T.
Other names: c.642delC, p.Tyr214Terfs (NM_001411068.1).
Identifiers: ClinVar variation 2033894 (VCV002033894.4), dbSNP rs2505404425, ClinGen allele CA2580089899.

ClinVar aggregate classification (germline): Pathogenic (1 of 4 stars; one submission).

Conditions:
Neuronal ceroid lipofuscinosis. Also called: Neuronal Ceroid Lipofuscinoses. Identifiers: Orphanet 216, Orphanet 79263, MedGen C0027877, MONDO:0016295. Disease mechanism: loss of function.

Submission:

Labcorp Genetics (formerly Invitae), Labcorp
Classification: Pathogenic for Neuronal ceroid lipofuscinosis. Last evaluated: 2022-10-03. Review status: criteria provided, single submitter. Criteria: Invitae Variant Classification Sherloc (09022015). Collection method: clinical testing. Allele origin: germline.
Comment: For these reasons, this variant has been classified as Pathogenic. This variant has not been reported in the literature in individuals affected with CLN6-related conditions. This variant is not present in population databases (gnomAD no frequency). This sequence change creates a premature translational stop signal (p.Tyr182*) in the CLN6 gene. It is expected to result in an absent or disrupted protein product. Loss-of-function variants in CLN6 are known to be pathogenic (PMID: 19135028).

Literature cited by the submitters: PubMed 19135028.